The following is an entry in ClinVar:

ClinVar aggregate classification (germline): Uncertain significance. Review status: criteria provided, multiple submitters, no conflicts (2 of 4 stars). 2 submissions from 2 submitters: Uncertain significance (2). Last evaluated 2026-03-10.

Conditions:
Dilated cardiomyopathy 1DD (CMD1DD). Identifiers: Orphanet 154, MedGen C2750995, MONDO:0013168, OMIM 613172.
Cardiovascular phenotype. Identifiers: MedGen CN230736.

Allele frequency attached by ClinVar (database versions not stated): TOPMed below 0.00001; gnomAD 0.00001; gnomAD exomes 0.00001.
gnomAD v4.1: 9 of 1,550,450 alleles (0.00058%); highest among the groups gnomAD compares: Non-Finnish European, 0.00061%; no homozygotes.

Submissions (2):

Ambry Genetics
Classification: Uncertain significance for Cardiovascular phenotype. Last evaluated: 2026-03-10. Review status: criteria provided, single submitter. Criteria: Ambry Variant Classification Scheme 2023. Collection method: clinical testing. Allele origin: germline.

Labcorp Genetics (formerly Invitae), Labcorp
Classification: Uncertain significance for Dilated cardiomyopathy 1DD. Last evaluated: 2025-10-09. Review status: criteria provided, single submitter. Criteria: Invitae Variant Classification Sherloc (09022015). Collection method: clinical testing. Allele origin: germline.
Comment: This sequence change replaces arginine, which is basic and polar, with tryptophan, which is neutral and slightly polar, at codon 450 of the RBM20 protein (p.Arg450Trp). This variant is not present in population databases (gnomAD no frequency). This variant has not been reported in the literature in individuals affected with RBM20-related conditions. ClinVar contains an entry for this variant (Variation ID: 264341). Invitae Evidence Modeling of protein sequence and biophysical properties (such as structural, functional, and spatial information, amino acid conservation, physicochemical variation, residue mobility, and thermodynamic stability) indicates that this missense variant is not expected to disrupt RBM20 protein function with a negative predictive value of 95%. Algorithms developed to predict the effect of sequence changes on RNA splicing suggest that this variant may disrupt the consensus splice site. In summary, the available evidence is currently insufficient to determine the role of this variant in disease. Therefore, it has been classified as a Variant of Uncertain Significance.

NM_001134363.3(RBM20):c.1348C>T (p.Arg450Trp)

Gene: RBM20 (RNA binding motif protein 20; plus strand). Cytogenetic location: 10q25.2.
Variant type: single nucleotide variant.
Coding change: c.1348C>T on transcript NM_001134363.3 (MANE Select); coding-DNA position 1348, C replaced by T.
Protein change: p.Arg450Trp; replaces arginine 450 with tryptophan.
Molecular consequence: missense variant.
Genome position (GRCh38, 1-based): chr10:110,784,351, C>T. VCF-style: chr10-110784351-C-T. GRCh37 (hg19) VCF-style: chr10-112544109-C-T.
Other names: c.1348C>T (LRG_382t1); short protein forms R450W.
Identifiers: ClinVar variation 264341 (VCV000264341.14), dbSNP rs886039129, ClinGen allele CA10587689.
Genomic context (GRCh38, chr10:110,784,351, plus strand): 5'-TCTTTGTTTAACTTATTAAGGAGCCGGTTTCCCTTTCTCGCCCTCTCCAGTGCTGGCATC[C>T]GGTGTATACTTGGTTCGGCAGAGGGAACATTGTGTGCTTCTCCCAACAGCACAGCTGTTT-3'
Protein context (NP_001127835.2, residues 440-460): CLVFSENAGI[Arg450Trp]CILGSAEGTL